The following is an entry in ClinVar:

ClinVar aggregate classification (germline): Uncertain significance (1 of 4 stars; one submission).

Conditions:
Inborn genetic diseases. Identifiers: MedGen C0950123, MeSH D030342.

Submission:

Ambry Genetics
Classification: Uncertain significance for Inborn genetic diseases. Last evaluated: 2022-07-17. Review status: criteria provided, single submitter. Criteria: Ambry Variant Classification Scheme 2023. Collection method: clinical testing. Allele origin: germline.
Comment: The p.S130T variant (also known as c.389G>C), located in coding exon 4 of the EPAS1 gene, results from a G to C substitution at nucleotide position 389. The serine at codon 130 is replaced by threonine, an amino acid with similar properties. This amino acid position is conserved. In addition, the in silico prediction for this alteration is inconclusive. Since supporting evidence is limited at this time, the clinical significance of this alteration remains unclear.

NM_001430.5(EPAS1):c.389G>C (p.Ser130Thr)

Gene: EPAS1 (endothelial PAS domain protein 1; plus strand). Cytogenetic location: 2p21.
Variant type: single nucleotide variant.
Coding change: c.389G>C on transcript NM_001430.5 (MANE Select); coding-DNA position 389, G replaced by C.
Protein change: p.Ser130Thr; replaces serine 130 with threonine.
Molecular consequence: missense variant.
Genome position (GRCh38, 1-based): chr2:46,356,743, G>C. VCF-style: chr2-46356743-G-C. GRCh37 (hg19) VCF-style: chr2-46583882-G-C.
Other names: short protein forms S130T.
Identifiers: ClinVar variation 1735984 (VCV001735984.2), dbSNP rs2546451108, ClinGen allele CA346698099.
Genomic context (GRCh38, chr2:46,356,743, plus strand): 5'-ACTGTTAGGAATAATGATGCCTAACCTTGTTTTTGAAACAGGTGGAGCTAACAGGACATA[G>C]TATCTTTGACTTCACTCATCCCTGCGACCATGAGGAGATTCGTGAGAACCTGAGTCTCAA-3'
Protein context (NP_001421.2, residues 120-140): GLTQVELTGH[Ser130Thr]IFDFTHPCDH